The following is an entry in ClinVar:

ClinVar aggregate classification (germline): Likely benign (0 of 4 stars; one submission).

Conditions:
SEMA3G-related disorder. Also called: SEMA3G-related condition.

gnomAD v4.1: 4 of 1,614,032 alleles (0.00025%); highest among the groups gnomAD compares: Non-Finnish European, 0.00034%; no homozygotes.

Submission:

PreventionGenetics, part of Exact Sciences
Classification: Likely benign for SEMA3G-related condition. Last evaluated: 2024-09-19. Review status: no assertion criteria provided. Collection method: clinical testing. Allele origin: germline.
Comment: This variant is classified as likely benign based on ACMG/AMP sequence variant interpretation guidelines (Richards et al. 2015 PMID: 25741868, with internal and published modifications).

NM_020163.3(SEMA3G):c.2046G>C (p.Leu682=)

Gene: SEMA3G (semaphorin 3G; minus strand). Cytogenetic location: 3p21.1.
Variant type: single nucleotide variant.
Coding change: c.2046G>C on transcript NM_020163.3 (MANE Select); coding-DNA position 2046, G replaced by C.
Protein change: p.Leu682=; no amino-acid change (leucine 682 retained).
Molecular consequence: synonymous variant.
Genome position (GRCh38, 1-based): chr3:52,435,906, C>G on the plus strand (G>C on the coding strand, the complement: SEMA3G is on the minus strand). VCF-style: chr3-52435906-C-G. GRCh37 (hg19) VCF-style: chr3-52469922-C-G.
Identifiers: ClinVar variation 3358179 (VCV003358179.1).